The following is an entry in ClinVar:

NM_000781.3(CYP11A1):c.1511A>C (p.Glu504Ala)

Gene: CYP11A1 (cytochrome P450 family 11 subfamily A member 1; minus strand). Cytogenetic location: 15q24.1.
Variant type: single nucleotide variant.
Coding change: c.1511A>C on transcript NM_000781.3 (MANE Select); coding-DNA position 1511, A replaced by C.
Protein change: p.Glu504Ala; replaces glutamic acid 504 with alanine.
Molecular consequence: missense variant.
Genome position (GRCh38, 1-based): chr15:74,338,027, T>G on the plus strand (A>C on the coding strand, the complement: CYP11A1 is on the minus strand). VCF-style: chr15-74338027-T-G. GRCh37 (hg19) VCF-style: chr15-74630368-T-G.
Other names: c.1037A>C, p.Glu346Ala (NM_001099773.2); c.1511A>C (NM_000781.2); short protein forms E346A, E504A.
Identifiers: ClinVar variation 1413853 (VCV001413853.4), dbSNP rs867311927, ClinGen allele CA272785492.

ClinVar aggregate classification (germline): Uncertain significance. Review status: criteria provided, multiple submitters, no conflicts (2 of 4 stars). 2 submissions from 2 submitters: Uncertain significance (2). Last evaluated 2025-09-04.

Conditions:
Inborn genetic diseases. Identifiers: MedGen C0950123, MeSH D030342.

Allele frequency attached by ClinVar (database versions not stated): gnomAD exomes below 0.00001 and 0.00001; gnomAD 0.00005 and 0.00006; TOPMed 0.00006.
gnomAD v4.1: 28 of 1,614,074 alleles (0.0017%); highest among the groups gnomAD compares: African/African-American, 0.028%; no homozygotes.

Submissions (2):

Ambry Genetics
Classification: Uncertain significance for Inborn genetic diseases. Last evaluated: 2025-09-04. Review status: criteria provided, single submitter. Criteria: Ambry Variant Classification Scheme 2023. Collection method: clinical testing. Allele origin: germline.

Labcorp Genetics (formerly Invitae), Labcorp
Classification: Uncertain significance. Last evaluated: 2022-04-12. Review status: criteria provided, single submitter. Criteria: Invitae Variant Classification Sherloc (09022015). Collection method: clinical testing. Allele origin: germline.
Comment: This sequence change replaces glutamic acid, which is acidic and polar, with alanine, which is neutral and non-polar, at codon 504 of the CYP11A1 protein (p.Glu504Ala). This variant is present in population databases (no rsID available, gnomAD 0.01%). This variant has not been reported in the literature in individuals affected with CYP11A1-related conditions. Advanced modeling of protein sequence and biophysical properties (such as structural, functional, and spatial information, amino acid conservation, physicochemical variation, residue mobility, and thermodynamic stability) performed at Invitae indicates that this missense variant is not expected to disrupt CYP11A1 protein function. In summary, the available evidence is currently insufficient to determine the role of this variant in disease. Therefore, it has been classified as a Variant of Uncertain Significance.